The following is an entry in ClinVar:

ClinVar aggregate classification (germline): Likely benign (1 of 4 stars; one submission).

gnomAD v4.1: 1 of 1,607,782 alleles (0.000062%); highest among the groups gnomAD compares: Non-Finnish European, 0.000085%; no homozygotes.

Submission:

CeGaT Center for Human Genetics Tuebingen
Classification: Likely benign. Last evaluated: 2025-12-01. Review status: criteria provided, single submitter. Criteria: CeGaT Center For Human Genetics Tuebingen Variant Classification Criteria Version 2. Collection method: clinical testing. Allele origin: germline. Affected: yes. Observed: 1 variant allele.
Comment: PTCH2: BP4, BP7

NM_003738.5(PTCH2):c.2781C>T (p.Ile927=)

Gene: PTCH2 (patched 2; minus strand). Cytogenetic location: 1p34.1.
Variant type: single nucleotide variant.
Coding change: c.2781C>T on transcript NM_003738.5 (MANE Select); coding-DNA position 2781, C replaced by T.
Protein change: p.Ile927=; no amino-acid change (isoleucine 927 retained).
Molecular consequence: synonymous variant.
Genome position (GRCh38, 1-based): chr1:44,826,683, G>A on the plus strand (C>T on the coding strand, the complement: PTCH2 is on the minus strand). VCF-style: chr1-44826683-G-A. GRCh37 (hg19) VCF-style: chr1-45292355-G-A.
Other names: c.2781C>T, p.Ile927= (NM_001166292.2).
Identifiers: ClinVar variation 4681555 (VCV004681555.5).
Genomic context (GRCh38, chr1:44,826,683, plus strand): 5'-GCTGGGGTAGGCGTGCACCCCAGCCTGGCCGGCCTCTGCGCATGCTGCCCGGGCCCCCTC[G>A]ATGGCCTCCACAAAGTCTGCAGTCTTCTGGAGGCCACGCAGCAGGAAGGGGAACTGGGCA-3'
Protein context (NP_003729.3, residues 917-937): LQKTADFVEA[Ile927=]EGARAACAEA